The following is an entry in ClinVar:

NM_018714.3(COG1):c.2057G>T (p.Ser686Ile)

Gene: COG1 (component of oligomeric golgi complex 1; plus strand). Cytogenetic location: 17q25.1.
Variant type: single nucleotide variant.
Coding change: c.2057G>T on transcript NM_018714.3 (MANE Select); coding-DNA position 2057, G replaced by T.
Protein change: p.Ser686Ile; replaces serine 686 with isoleucine.
Molecular consequence: missense variant.
Genome position (GRCh38, 1-based): chr17:73,201,884, G>T. VCF-style: chr17-73201884-G-T. GRCh37 (hg19) VCF-style: chr17-71198023-G-T.
Other names: short protein forms S686I.
Identifiers: ClinVar variation 1716266 (VCV001716266.5), dbSNP rs2061348570, ClinGen allele CA400894155.

ClinVar aggregate classification (germline): Uncertain significance (1 of 4 stars; one submission).

Conditions:
COG1 congenital disorder of glycosylation (CDG2G). Also called: CONGENITAL DISORDER OF GLYCOSYLATION, TYPE IIg; CDG IIg; CDGII/COG1 CEREBROCOSTOMANDIBULAR-LIKE SYNDROME. Identifiers: Orphanet 263508, MedGen C2931011, MONDO:0012637, OMIM 611209.

Submission:

Labcorp Genetics (formerly Invitae), Labcorp
Classification: Uncertain significance for COG1 congenital disorder of glycosylation. Last evaluated: 2022-08-12. Review status: criteria provided, single submitter. Criteria: Invitae Variant Classification Sherloc (09022015). Collection method: clinical testing. Allele origin: germline.
Comment: In summary, the available evidence is currently insufficient to determine the role of this variant in disease. Therefore, it has been classified as a Variant of Uncertain Significance. Algorithms developed to predict the effect of missense changes on protein structure and function are either unavailable or do not agree on the potential impact of this missense change (SIFT: "Tolerated"; PolyPhen-2: "Probably Damaging"; Align-GVGD: "Class C0"). This variant has not been reported in the literature in individuals affected with COG1-related conditions. This variant is not present in population databases (gnomAD no frequency). This sequence change replaces serine, which is neutral and polar, with isoleucine, which is neutral and non-polar, at codon 686 of the COG1 protein (p.Ser686Ile).